The following is an entry in ClinVar:

NM_000540.3(RYR1):c.2861T>C (p.Leu954Pro)

Gene: RYR1 (ryanodine receptor 1; plus strand). Cytogenetic location: 19q13.2.
Variant type: single nucleotide variant.
Coding change: c.2861T>C on transcript NM_000540.3 (MANE Select); coding-DNA position 2861, T replaced by C.
Protein change: p.Leu954Pro; replaces leucine 954 with proline.
Molecular consequence: missense variant.
Genome position (GRCh38, 1-based): chr19:38,464,713, T>C. VCF-style: chr19-38464713-T-C. GRCh37 (hg19) VCF-style: chr19-38955353-T-C.
Other names: c.2861T>C, p.Leu954Pro (NM_001042723.2); short protein forms L954P.
Identifiers: ClinVar variation 478218 (VCV000478218.13), dbSNP rs1183111020, ClinGen allele CA405633802.
Genomic context (GRCh38, chr19:38,464,713, plus strand): 5'-TGGGCTGCCACGTGGGCATGGCGGATGAGAAGGCGGAGGACAACCTGAAGAAGACAAAAC[T>C]CCCCAAGACGTGAGTGTGGGCAGCCAGGTCCCGTCTGGGGATGGACTGGGGGCTGGGGAT-3'
Protein context (NP_000531.2, residues 944-964): KAEDNLKKTK[Leu954Pro]PKTYMMSNGY

ClinVar aggregate classification (germline): Uncertain significance. Review status: criteria provided, multiple submitters, no conflicts (2 of 4 stars). 5 submissions from 5 submitters: Uncertain significance (5). Last evaluated 2025-06-27.

Conditions:
RYR1-related disorder. Also called: RYR1-related condition; RYR1-related disorders. Identifiers: MedGen CN239331.
Inborn genetic diseases. Identifiers: MedGen C0950123, MeSH D030342.
Malignant hyperthermia, susceptibility to, 1 (MHS1). Also called: Anesthesia related hyperthermia; Malignant hyperpyrexia; Fulminating hyperpyrexia; Pharmacogenic myopathy; Malignant hyperthermia suceptibility 1; RYR1-Related Malignant Hyperthermia Susceptibility. Identifiers: Orphanet 423, MedGen C2930980, MONDO:0007783, OMIM 145600.

Allele frequency attached by ClinVar (database versions not stated): gnomAD 0.00001; gnomAD exomes 0.00001 and 0.00002; TOPMed 0.00001.
gnomAD v4.1: 32 of 1,583,214 alleles (0.002%); highest among the groups gnomAD compares: Non-Finnish European, 0.0025%; no homozygotes.

Submissions (5):

Labcorp Genetics (formerly Invitae), Labcorp
Classification: Uncertain significance for RYR1-related disorder. Last evaluated: 2025-06-27. Review status: criteria provided, single submitter. Criteria: Invitae Variant Classification Sherloc (09022015). Collection method: clinical testing. Allele origin: germline.
Comment: This sequence change replaces leucine, which is neutral and non-polar, with proline, which is neutral and non-polar, at codon 954 of the RYR1 protein (p.Leu954Pro). This variant is present in population databases (no rsID available, gnomAD 0.002%). This variant has not been reported in the literature in individuals affected with RYR1-related conditions. ClinVar contains an entry for this variant (Variation ID: 478218). Invitae Evidence Modeling of protein sequence and biophysical properties (such as structural, functional, and spatial information, amino acid conservation, physicochemical variation, residue mobility, and thermodynamic stability) indicates that this missense variant is expected to disrupt RYR1 protein function with a positive predictive value of 95%. In summary, the available evidence is currently insufficient to determine the role of this variant in disease. Therefore, it has been classified as a Variant of Uncertain Significance.

Ambry Genetics
Classification: Uncertain significance for Inborn genetic diseases. Last evaluated: 2025-06-11. Review status: criteria provided, single submitter. Criteria: Ambry Variant Classification Scheme 2023. Collection method: clinical testing. Allele origin: germline.

Color Diagnostics, LLC DBA Color Health
Classification: Uncertain significance for Malignant hyperthermia, susceptibility to, 1. Last evaluated: 2023-11-22. Review status: criteria provided, single submitter. Criteria: ACMG Guidelines, 2015. Collection method: clinical testing. Allele origin: germline.
Comment: This missense variant replaces leucine with proline at codon 954 of the RYR1 protein. Computational prediction suggests that this variant may have deleterious impact on protein structure and function. To our knowledge, functional studies have not been reported for this variant. This variant has not been reported in individuals affected with RYR1-related disorders in the literature. This variant has been identified in 2/231328 chromosomes in the general population by the Genome Aggregation Database (gnomAD). The available evidence is insufficient to determine the role of this variant in disease conclusively. Therefore, this variant is classified as a Variant of Uncertain Significance.

PreventionGenetics, part of Exact Sciences
Classification: Uncertain significance for RYR1-related condition. Last evaluated: 2023-10-13. Review status: criteria provided, single submitter. Criteria: ACMG Guidelines, 2015. Collection method: clinical testing. Allele origin: germline.
Comment: The RYR1 c.2861T>C variant is predicted to result in the amino acid substitution p.Leu954Pro. To our knowledge, this variant has not been reported in the literature. This variant is reported in 0.0019% of alleles in individuals of European (Non-Finnish) descent in gnomAD. At this time, the clinical significance of this variant is uncertain due to the absence of conclusive functional and genetic evidence.

Revvity Omics, Revvity
Classification: Uncertain significance. Last evaluated: 2020-08-18. Review status: criteria provided, single submitter. Criteria: ACMG Guidelines, 2015. Collection method: clinical testing. Allele origin: germline.